The following is an entry in ClinVar:

NM_000059.4(BRCA2):c.1909+1105A>G

Gene: BRCA2 (BRCA2 DNA repair associated; plus strand). Cytogenetic location: 13q13.1.
Variant type: single nucleotide variant.
Coding change: c.1909+1105A>G on transcript NM_000059.4 (MANE Select); 1105 bases into the intron after coding-DNA position 1909, A replaced by G.
Molecular consequence: intron variant.
Genome position (GRCh38, 1-based): chr13:32,334,492, A>G. VCF-style: chr13-32334492-A-G. GRCh37 (hg19) VCF-style: chr13-32908629-A-G.
Other names: IVS 10+1105A>G.
Identifiers: ClinVar variation 209678 (VCV000209678.1), dbSNP rs1029304, ClinGen allele CA276647.
Genomic context (GRCh38, chr13:32,334,492, plus strand): 5'-TTGGGAGGCTAAGGCAGGAGGATCACTTATGGTCAGGAGTTTAAGAACACCCTGGGCAAC[A>G]TAGCGAGACCCCATCTCTACAAAAAATTTAAAATACCCAGGCATGGTGGCATGCTTCTGA-3'

ClinVar aggregate classification (germline): Benign (3 of 4 stars; one submission).

Conditions:
Breast-ovarian cancer, familial, susceptibility to, 2 (BROVCA2). Also called: BRCA2 Hereditary Breast and Ovarian Cancer. Identifiers: Orphanet 145, MedGen C2675520, MONDO:0012933, OMIM 612555. Disease mechanism: loss of function.

Allele frequency attached by ClinVar (database versions not stated): 1000 Genomes Project 30x 0.26031; 1000 Genomes Project 0.26757; TOPMed 0.27574; gnomAD 0.28454 and 0.28636.
gnomAD v4.1: 43,316 of 151,684 alleles (29%); highest among the groups gnomAD compares: East Asian, 40%; 6,358 homozygotes.

Submission:

Evidence-based Network for the Interpretation of Germline Mutant Alleles (ENIGMA)
Classification: Benign for Breast-ovarian cancer, familial 2. Last evaluated: 2015-01-12. Review status: reviewed by expert panel. Criteria: ENIGMA BRCA1/2 Classification Criteria (2015). Collection method: curation. Allele origin: germline.
Comment: Class 1 not pathogenic based on frequency >1% in an outbred sampleset. Frequency 0.3846 (Asian), 0.1626 (African), 0.2929 (European), derived from 1000 genomes (2012-04-30).